The following is an entry in ClinVar:

ClinVar aggregate classification (germline): Benign/Likely benign. Review status: criteria provided, multiple submitters, no conflicts (2 of 4 stars). 9 submissions from 9 submitters: Benign (8); Likely benign (1). Last evaluated 2026-02-01.

Conditions:
Primary ciliary dyskinesia. Also called: Ciliary dyskinesia. Identifiers: Orphanet 244, MedGen C0008780, MONDO:0016575, HP:0012265.
Primary ciliary dyskinesia 13. Also called: CILIARY DYSKINESIA, PRIMARY, 13, WITH OR WITHOUT SITUS INVERSUS. Identifiers: Orphanet 244, MedGen C2750790, MONDO:0013174, OMIM 613193.

Allele frequency attached by ClinVar (database versions not stated): 1000 Genomes Project 30x 0.02046; 1000 Genomes Project 0.02177; TOPMed 0.02611; ESP Exome Variant Server 0.02892; gnomAD 0.03681.
gnomAD v4.1: 37,832 of 1,613,050 alleles (2.3%); highest among the groups gnomAD compares: African/African-American, 4.7%; 601 homozygotes.

Submissions (9):

Labcorp Genetics (formerly Invitae), Labcorp
Classification: Benign for Primary ciliary dyskinesia. Last evaluated: 2026-02-01. Review status: criteria provided, single submitter. Criteria: Invitae Variant Classification Sherloc (09022015). Collection method: clinical testing. Allele origin: germline.

Blueprint Genetics
Classification: Likely benign. Last evaluated: 2024-11-26. Review status: criteria provided, single submitter. Criteria: ACMG Guidelines, 2015. Collection method: clinical testing. Allele origin: germline.

Mayo Clinic Laboratories, Mayo Clinic
Classification: Benign. Last evaluated: 2022-04-26. Review status: criteria provided, single submitter. Criteria: ACMG Guidelines, 2015. Collection method: clinical testing. Allele origin: germline. Observed: 6 variant alleles.

GeneDx
Classification: Benign. Last evaluated: 2019-07-21. Review status: criteria provided, single submitter. Criteria: GeneDx Variant Classification Process June 2021. Collection method: clinical testing. Allele origin: germline. Affected: yes.

Illumina Laboratory Services, Illumina
Classification: Benign for Primary ciliary dyskinesia 13. Last evaluated: 2018-01-13. Review status: criteria provided, single submitter. Criteria: ICSL Variant Classification Criteria 13 December 2019. Collection method: clinical testing. Allele origin: germline.
Comment: This variant was observed in the ICSL laboratory as part of a predisposition screen in an ostensibly healthy population. It had not been previously curated by ICSL or reported in the Human Gene Mutation Database (HGMD: prior to June 1st, 2018), and was therefore a candidate for classification through an automated scoring system. Utilizing variant allele frequency, disease prevalence and penetrance estimates, and inheritance mode, an automated score was calculated to assess if this variant is too frequent to cause the disease. Based on the score and internal cut-off values, a variant classified as benign is not then subjected to further curation. The score for this variant resulted in a classification of benign for this disease.

Ambry Genetics
Classification: Benign for Primary ciliary dyskinesia. Last evaluated: 2014-12-26. Review status: criteria provided, single submitter. Criteria: Ambry Variant Classification Scheme 2023. Collection method: clinical testing. Allele origin: germline.

Laboratory for Molecular Medicine, Mass General Brigham Personalized Medicine
Classification: Benign. Last evaluated: 2013-02-21. Review status: criteria provided, single submitter. Criteria: LMM Criteria. Collection method: clinical testing. Allele origin: germline. Observed: 6 variant alleles.
Comment: Arg330Arg in exon 7 of DNAAF1: This variant is not expected to have clinical sig nificance because it does not alter an amino acid residue and is not located wit hin the splice consensus sequence. It has been identified in 3.9% (173/4400) of African American chromosomes from a broad population by the NHLBI Exome Sequenci ng Project (dbSNP rs112191420).

Breakthrough Genomics
Classification: Benign. Review status: criteria provided, single submitter. Criteria: ACMG Guidelines, 2015. Collection method: not provided. Allele origin: germline. Inheritance: Autosomal recessive inheritance. Affected: yes.

PreventionGenetics, part of Exact Sciences
Classification: Benign. Review status: criteria provided, single submitter. Criteria: ACMG Guidelines, 2015. Collection method: clinical testing. Allele origin: germline.

NM_178452.6(DNAAF1):c.988C>A (p.Arg330=)

Gene: DNAAF1 (dynein axonemal assembly factor 1; plus strand). Cytogenetic location: 16q24.1.
Variant type: single nucleotide variant.
Coding change: c.988C>A on transcript NM_178452.6 (MANE Select); coding-DNA position 988, C replaced by A.
Protein change: p.Arg330=; no amino-acid change (arginine 330 retained).
Molecular consequence: synonymous variant.
Genome position (GRCh38, 1-based): chr16:84,165,907, C>A. VCF-style: chr16-84165907-C-A. GRCh37 (hg19) VCF-style: chr16-84199513-C-A.
Other names: p.Arg330=; c.232C>A, p.Arg78= (NM_001318756.1).
Identifiers: ClinVar variation 178720 (VCV000178720.27), dbSNP rs112191420, ClinGen allele CA182881.